The following is an entry in ClinVar:

NM_001081.4(CUBN):c.265A>C (p.Lys89Gln)

Gene: CUBN (cubilin; minus strand). Cytogenetic location: 10p13.
Variant type: single nucleotide variant.
Coding change: c.265A>C on transcript NM_001081.4 (MANE Select); coding-DNA position 265, A replaced by C.
Protein change: p.Lys89Gln; replaces lysine 89 with glutamine.
Molecular consequence: missense variant.
Genome position (GRCh38, 1-based): chr10:17,127,912, T>G on the plus strand (A>C on the coding strand, the complement: CUBN is on the minus strand). VCF-style: chr10-17127912-T-G. GRCh37 (hg19) VCF-style: chr10-17169911-T-G.
Other names: short protein forms K89Q.
Identifiers: ClinVar variation 1029049 (VCV001029049.2), dbSNP rs755860454, ClinGen allele CA5425741.

ClinVar aggregate classification (germline): Uncertain significance. Review status: criteria provided, multiple submitters, no conflicts (2 of 4 stars). 2 submissions from 2 submitters: Uncertain significance (2). Last evaluated 2023-04-13.

Conditions:
Imerslund-Grasbeck syndrome. Also called: Imerslund-Gräsbeck syndrome; ENTEROCYTE COBALAMIN MALABSORPTION; ENTEROCYTE INTRINSIC FACTOR RECEPTOR, DEFECT OF; PERNICIOUS ANEMIA, JUVENILE, DUE TO SELECTIVE INTESTINAL MALABSORPTION OF VITAMIN B12, WITH PROTEINURIA; Megaloblastic anemia due to inborn errors of metabolism. Identifiers: Orphanet 35858, MedGen C4551825, MONDO:0009853.
Imerslund-Grasbeck syndrome type 1 (IGS1). Also called: Megaloblastic anemia 1, Finnish type; Imerslund-Gräsbeck syndrome 1; MEGALOBLASTIC ANEMIA, 1. Identifiers: MedGen C4016819, MONDO:0100156, OMIM 261100.

Allele frequency attached by ClinVar (database versions not stated): gnomAD exomes below 0.00001; TOPMed below 0.00001; ExAC 0.00001; gnomAD 0.00001.
gnomAD v4.1: 3 of 1,602,520 alleles (0.00019%); highest among the groups gnomAD compares: African/African-American, 0.0027%; no homozygotes.

Submissions (2):

Labcorp Genetics (formerly Invitae), Labcorp
Classification: Uncertain significance for Imerslund-Grasbeck syndrome. Last evaluated: 2023-04-13. Review status: criteria provided, single submitter. Criteria: Invitae Variant Classification Sherloc (09022015). Collection method: clinical testing. Allele origin: germline.
Comment: This variant is present in population databases (rs755860454, gnomAD 0.008%). In summary, the available evidence is currently insufficient to determine the role of this variant in disease. Therefore, it has been classified as a Variant of Uncertain Significance. Advanced modeling of protein sequence and biophysical properties (such as structural, functional, and spatial information, amino acid conservation, physicochemical variation, residue mobility, and thermodynamic stability) performed at Invitae indicates that this missense variant is not expected to disrupt CUBN protein function. ClinVar contains an entry for this variant (Variation ID: 1029049). This variant has not been reported in the literature in individuals affected with CUBN-related conditions. This sequence change replaces lysine, which is basic and polar, with glutamine, which is neutral and polar, at codon 89 of the CUBN protein (p.Lys89Gln).

Baylor Genetics
Classification: Uncertain significance for Imerslund-Grasbeck syndrome type 1. Last evaluated: 2020-06-20. Review status: criteria provided, single submitter. Criteria: ACMG Guidelines, 2015. Collection method: clinical testing. Allele origin: unknown. Affected: yes.
Comment: This variant was determined to be of uncertain significance according to ACMG Guidelines, 2015 [PMID:25741868].